The following is an entry in ClinVar:

ClinVar aggregate classification (germline): Uncertain significance (1 of 4 stars; one submission).

Conditions:
Neurodevelopmental disorder with movement abnormalities, abnormal gait, and autistic features. Identifiers: MedGen C4693405, MONDO:0060642, OMIM 617865.

Submission:

MVZ Medizinische Genetik Mainz
Classification: Uncertain significance for Neurodevelopmental disorder with movement abnormalities, abnormal gait, and autistic features. Last evaluated: 2022-12-20. Review status: criteria provided, single submitter. Criteria: UK Practice Guidelines For Variant Classification V4 01 2020. Collection method: clinical testing. Allele origin: germline. Inheritance: Autosomal dominant inheritance. Affected: yes. Observed: 1 variant allele.
Comment: ACMG Criteria: PM2_SUP, PP3 (ACMG Version 4)

NM_020928.2(ZSWIM6):c.1333+1del

Gene: ZSWIM6 (zinc finger SWIM-type containing 6; plus strand). Cytogenetic location: 5q12.1.
Variant type: Deletion.
Coding change: c.1333+1del on transcript NM_020928.2 (MANE Select); the canonical splice donor site of the intron after coding-DNA position 1333, one base deleted (G; older notation c.1333+1delG).
Molecular consequence: splice donor variant.
Genome position (GRCh38, 1-based): chr5:61,494,411, G deleted; the last of 3 consecutive G bases (chr5:61,494,409-61,494,411); deleting any one gives the same sequence. VCF-style (leftmost placement, unchanged base first): chr5-61494408-TG-T. GRCh37 (hg19) VCF-style: chr5-60790235-TG-T.
Identifiers: ClinVar variation 3236383 (VCV003236383.1), dbSNP rs2479069540, ClinGen allele CA2825001418.